The following is an entry in ClinVar:

ClinVar aggregate classification (germline): Pathogenic/Likely pathogenic. Review status: criteria provided, multiple submitters, no conflicts (2 of 4 stars). 4 submissions from 4 submitters: Pathogenic (2); Likely pathogenic (1). 1 of the submissions does not count toward it. Last evaluated 2024-10-30.

Conditions:
Zellweger spectrum disorders (ZS). Also called: Zellweger Spectrum Disorder; Zellweger Spectrum; Zellweger syndrome; Zellweger Spectrum Disorder (ZSD). Identifiers: Orphanet 912, MedGen C0043459, MONDO:0019609.
Heimler syndrome 1 (HMLR1). Also called: PEROXISOME BIOGENESIS DISORDER 1C. Identifiers: Orphanet 3220, MedGen C4551980, OMIM 234580, MONDO:0024544.
Peroxisome biogenesis disorder 1A (Zellweger) (PBD1A). Also called: Peroxisome biogenesis disorder 1a; Zellweger leukodystrophy. Identifiers: MedGen C4721541, MONDO:0008953, OMIM 214100.

Submissions (4):

Natera, Inc.
Classification: Likely pathogenic for Zellweger syndrome. Last evaluated: 2024-10-30. Review status: criteria provided, single submitter. Criteria: Natera Variant Classification Schema (03/2026). Collection method: clinical testing. Allele origin: germline.
Comment: The c.911_912delCT variant in PEX1 is a frameshift variant predicted to shift the reading frame beginning at codon 304 and leads to a stop codon 4 codons downstream. This variant is expected to result in nonsense mediated decay, truncation, or a dysfunctional protein product. This variant is rare in the general population with a frequency below the threshold expected for the associated phenotype(s). Given the available evidence, this variant is classified as Likely Pathogenic.

Labcorp Genetics (formerly Invitae), Labcorp
Classification: Pathogenic for Zellweger spectrum disorders. Last evaluated: 2024-03-13. Review status: criteria provided, single submitter. Criteria: Invitae Variant Classification Sherloc (09022015). Collection method: clinical testing. Allele origin: germline.
Comment: This sequence change creates a premature translational stop signal (p.Ser304Cysfs*4) in the PEX1 gene. It is expected to result in an absent or disrupted protein product. Loss-of-function variants in PEX1 are known to be pathogenic (PMID: 21031596, 26387595, 31831025). This variant is not present in population databases (gnomAD no frequency). This premature translational stop signal has been observed in individual(s) with Zellweger spectrum condition(s) (PMID: 16141001). ClinVar contains an entry for this variant (Variation ID: 189029). For these reasons, this variant has been classified as Pathogenic.

Baylor Genetics
Classification: Pathogenic for Heimler syndrome 1. Last evaluated: 2024-02-14. Review status: criteria provided, single submitter. Criteria: ACMG Guidelines, 2015. Collection method: clinical testing. Allele origin: unknown.

Counsyl
Classification: Likely pathogenic for Zellweger syndrome. Last evaluated: 2014-10-21. Review status: no assertion criteria provided. Collection method: literature only. Allele origin: unknown. Inheritance: Autosomal recessive inheritance. Not counted in ClinVar's aggregate classification.

Literature cited by the submitters: PubMed 21031596 (cited by Labcorp Genetics (formerly Invitae), Labcorp and Counsyl); PubMed 26387595 (cited by Labcorp Genetics (formerly Invitae), Labcorp); PubMed 31831025 (cited by Labcorp Genetics (formerly Invitae), Labcorp); PubMed 16141001 (cited by Labcorp Genetics (formerly Invitae), Labcorp and Counsyl).

NM_000466.3(PEX1):c.911_912del (p.Ser304fs)

Gene: PEX1 (peroxisomal biogenesis factor 1; minus strand). Cytogenetic location: 7q21.2.
Variant type: Microsatellite.
Coding change: c.911_912del on transcript NM_000466.3 (MANE Select); coding-DNA positions 911 to 912, 2 bases deleted (CT; older notation c.911_912delCT).
Protein change: p.Ser304fs; shifts the reading frame from serine 304.
Molecular consequence: frameshift variant.
Genome position (GRCh38, 1-based): chr7:92,517,603-92,517,604, AG deleted on the plus strand (CT on the coding strand, the reverse complement: PEX1 is on the minus strand); deleting any 2 consecutive bases within chr7:92,517,603-92,517,606 gives the same sequence; the c. name uses the placement nearest the transcript's 3' end. VCF-style (leftmost placement, unchanged base first): chr7-92517602-CAG-C. GRCh37 (hg19) VCF-style: chr7-92146916-CAG-C.
Other names: c.911_912del, p.Ser304fs (NM_001282677.2); c.287_288del, p.Ser96fs (NM_001282678.2); short protein forms S304fs, S96fs.
Identifiers: ClinVar variation 189029 (VCV000189029.10), dbSNP rs786204638, ClinGen allele CA274288.